The following is an entry in ClinVar:

ClinVar aggregate classification (germline): Likely pathogenic (1 of 4 stars; one submission).

Submission:

GeneDx
Classification: Likely pathogenic. Last evaluated: 2023-01-13. Review status: criteria provided, single submitter. Criteria: GeneDx Variant Classification Process June 2021. Collection method: clinical testing. Allele origin: germline. Affected: yes.
Comment: Not observed at significant frequency in large population cohorts (gnomAD); In silico analysis supports that this missense variant has a deleterious effect on protein structure/function; Has not been previously published as pathogenic or benign to our knowledge

NM_000052.7(ATP7A):c.2380G>C (p.Gly794Arg)

Gene: ATP7A (ATPase copper transporting alpha; plus strand). Cytogenetic location: Xq21.1.
Variant type: single nucleotide variant.
Coding change: c.2380G>C on transcript NM_000052.7 (MANE Select); coding-DNA position 2380, G replaced by C.
Protein change: p.Gly794Arg; replaces glycine 794 with arginine.
Molecular consequence: missense variant. On other transcripts: intron variant (1).
Genome position (GRCh38, 1-based): chrX:78,013,086, G>C. VCF-style: chrX-78013086-G-C. GRCh37 (hg19) VCF-style: chrX-77268583-G-C.
Other names: c.2172+1412G>C (NM_001282224.2); short protein forms G794R.
Identifiers: ClinVar variation 1878833 (VCV001878833.1), dbSNP rs2522355124, ClinGen allele CA413599568.